The following is an entry in ClinVar:

ClinVar aggregate classification (germline): Uncertain significance. Review status: criteria provided, multiple submitters, no conflicts (2 of 4 stars). 2 submissions from 2 submitters: Uncertain significance (2). Last evaluated 2023-11-20.

Conditions:
Hereditary cancer-predisposing syndrome. Also called: Hereditary Cancer Syndrome; Tumor predisposition; Hereditary neoplastic syndrome; Neoplastic Syndromes, Hereditary. Identifiers: Orphanet 140162, MedGen C0027672, MeSH D009386, MONDO:0015356.
Ataxia-telangiectasia syndrome (AT). Also called: AT, COMPLEMENTATION GROUP C; Ataxia-telangiectasia, complementation group D; ATAXIA-TELANGIECTASIA, COMPLEMENTATION GROUP A; ATAXIA-TELANGIECTASIA, FRESNO VARIANT; Ataxia-telangiectasia; Ataxia telangiectasia (A-T). Identifiers: Orphanet 100, MedGen C0004135, MONDO:0008840, OMIM 208900.

Allele frequency attached by ClinVar (database versions not stated): gnomAD exomes below 0.00001.
gnomAD v4.1: 1 of 1,613,520 alleles (0.000062%); highest among the groups gnomAD compares: South Asian, 0.0011%; no homozygotes.

Submissions (2):

Ambry Genetics
Classification: Uncertain significance for Hereditary cancer-predisposing syndrome. Last evaluated: 2023-11-20. Review status: criteria provided, single submitter. Criteria: Ambry Variant Classification Scheme 2023. Collection method: clinical testing. Allele origin: germline.
Comment: The p.D1373Y variant (also known as c.4117G>T), located in coding exon 27 of the ATM gene, results from a G to T substitution at nucleotide position 4117. The aspartic acid at codon 1373 is replaced by tyrosine, an amino acid with highly dissimilar properties. This amino acid position is highly conserved in available vertebrate species. In addition, this alteration is predicted to be deleterious by in silico analysis. Since supporting evidence is limited at this time, the clinical significance of this alteration remains unclear.

Labcorp Genetics (formerly Invitae), Labcorp
Classification: Uncertain significance for Ataxia-telangiectasia syndrome. Last evaluated: 2023-07-16. Review status: criteria provided, single submitter. Criteria: Invitae Variant Classification Sherloc (09022015). Collection method: clinical testing. Allele origin: germline.
Comment: This sequence change replaces aspartic acid, which is acidic and polar, with tyrosine, which is neutral and polar, at codon 1373 of the ATM protein (p.Asp1373Tyr). This variant is not present in population databases (gnomAD no frequency). This variant has not been reported in the literature in individuals affected with ATM-related conditions. An algorithm developed to predict the effect of missense changes on protein structure and function (PolyPhen-2) suggests that this variant is likely to be disruptive. In summary, the available evidence is currently insufficient to determine the role of this variant in disease. Therefore, it has been classified as a Variant of Uncertain Significance.

NM_000051.4(ATM):c.4117G>T (p.Asp1373Tyr)

Gene: ATM (ATM serine/threonine kinase; plus strand). Cytogenetic location: 11q22.3.
Variant type: single nucleotide variant.
Coding change: c.4117G>T on transcript NM_000051.4 (MANE Select); coding-DNA position 4117, G replaced by T.
Protein change: p.Asp1373Tyr; replaces aspartic acid 1373 with tyrosine.
Molecular consequence: missense variant.
Genome position (GRCh38, 1-based): chr11:108,288,984, G>T. VCF-style: chr11-108288984-G-T. GRCh37 (hg19) VCF-style: chr11-108159711-G-T.
Other names: c.4117G>T, p.Asp1373Tyr (NM_001351834.2); short protein forms D1373Y.
Identifiers: ClinVar variation 2743524 (VCV002743524.4), dbSNP rs2135750531, ClinGen allele CA382529760.